The following is an entry in ClinVar:

ClinVar aggregate classification (germline): Benign/Likely benign. Review status: criteria provided, multiple submitters, no conflicts (2 of 4 stars). 5 submissions from 5 submitters: Benign (1); Likely benign (3). 1 of the submissions does not count toward it. Last evaluated 2025-08-18.

Conditions:
PLAU-related disorder. Also called: PLAU-related condition.
Quebec platelet disorder (QPD). Also called: FACTOR V QUEBEC; BLEEDING DISORDER, PLATELET-TYPE, 5. Identifiers: Orphanet 220436, MedGen C1866423, MONDO:0011136, OMIM 601709.

Allele frequency attached by ClinVar (database versions not stated): 1000 Genomes Project 0.00180; ESP Exome Variant Server 0.00415; TOPMed 0.00376; 1000 Genomes Project 30x 0.00250.
gnomAD v4.1: 7,045 of 1,613,954 alleles (0.44%); highest among the groups gnomAD compares: Middle Eastern, 0.89%; 21 homozygotes.

Submissions (5):

Genomic Medicine Center of Excellence, King Faisal Specialist Hospital and Research Centre
Classification: Likely benign. Last evaluated: 2025-08-18. Review status: criteria provided, single submitter. Criteria: ACMG Guidelines, 2015. Collection method: clinical testing. Allele origin: germline.

Labcorp Genetics (formerly Invitae), Labcorp
Classification: Likely benign. Last evaluated: 2019-12-31. Review status: criteria provided, single submitter. Criteria: Invitae Variant Classification Sherloc (09022015). Collection method: clinical testing. Allele origin: germline.

Illumina Laboratory Services, Illumina
Classification: Benign for Quebec platelet disorder. Last evaluated: 2018-01-12. Review status: criteria provided, single submitter. Criteria: ICSL Variant Classification Criteria 13 December 2019. Collection method: clinical testing. Allele origin: germline.
Comment: This variant was observed in the ICSL laboratory as part of a predisposition screen in an ostensibly healthy population. It had not been previously curated by ICSL or reported in the Human Gene Mutation Database (HGMD: prior to June 1st, 2018), and was therefore a candidate for classification through an automated scoring system. Utilizing variant allele frequency, disease prevalence and penetrance estimates, and inheritance mode, an automated score was calculated to assess if this variant is too frequent to cause the disease. Based on the score and internal cut-off values, a variant classified as benign is not then subjected to further curation. The score for this variant resulted in a classification of benign for this disease.

Breakthrough Genomics
Classification: Likely benign. Review status: criteria provided, single submitter. Criteria: ACMG Guidelines, 2015. Collection method: not provided. Allele origin: germline. Inheritance: Autosomal dominant inheritance. Affected: yes.

PreventionGenetics, part of Exact Sciences
Classification: Likely benign for PLAU-related condition. Last evaluated: 2019-04-30. Review status: no assertion criteria provided. Collection method: clinical testing. Allele origin: germline. Not counted in ClinVar's aggregate classification.
Comment: This variant is classified as likely benign based on ACMG/AMP sequence variant interpretation guidelines (Richards et al. 2015 PMID: 25741868, with internal and published modifications).

NM_002658.6(PLAU):c.1048T>C (p.Tyr350His)

Genes: C10orf55 (chromosome 10 putative open reading frame 55; minus strand), PLAU (plasminogen activator, urokinase; plus strand). Cytogenetic location: 10q22.2.
Variant type: single nucleotide variant.
Coding change: c.1048T>C on transcript NM_002658.6 (MANE Select); coding-DNA position 1048, T replaced by C.
Protein change: p.Tyr350His; replaces tyrosine 350 with histidine.
Molecular consequence: missense variant.
Genome position (GRCh38, 1-based): chr10:73,915,328, T>C. VCF-style: chr10-73915328-T-C. GRCh37 (hg19) VCF-style: chr10-75675086-T-C.
Other names: c.997T>C, p.Tyr333His (NM_001145031.3); c.790T>C, p.Tyr264His (NM_001319191.2); short protein forms Y350H, Y333H, Y264H.
Identifiers: ClinVar variation 300758 (VCV000300758.13), dbSNP rs72816325, ClinGen allele CA5562607.